The following is an entry in ClinVar:

ClinVar aggregate classification (germline): Uncertain significance (1 of 4 stars; one submission).

Submission:

Labcorp Genetics (formerly Invitae), Labcorp
Classification: Uncertain significance. Last evaluated: 2020-09-11. Review status: criteria provided, single submitter. Criteria: Invitae Variant Classification Sherloc (09022015). Collection method: clinical testing. Allele origin: germline.
Comment: In summary, the available evidence is currently insufficient to determine the role of this variant in disease. Therefore, it has been classified as a Variant of Uncertain Significance. Nucleotide substitutions within the consensus splice site are a relatively common cause of aberrant splicing (PMID: 17576681, 9536098). Algorithms developed to predict the effect of sequence changes on RNA splicing suggest that this variant may disrupt the consensus splice site, but this prediction has not been confirmed by published transcriptional studies. This variant has not been reported in the literature in individuals with NTHL1-related conditions. This variant is not present in population databases (ExAC no frequency). This sequence change falls in intron 3 of the NTHL1 gene. It does not directly change the encoded amino acid sequence of the NTHL1 protein, but it affects a nucleotide within the consensus splice site of the intron.

Literature cited by the submitters: PubMed 17576681; PubMed 9536098.

NM_002528.7(NTHL1):c.525+5G>T

Gene: NTHL1 (nth like DNA glycosylase 1; minus strand). Cytogenetic location: 16p13.3.
Variant type: single nucleotide variant.
Coding change: c.525+5G>T on transcript NM_002528.7 (MANE Select); 5 bases into the intron after coding-DNA position 525, G replaced by T.
Molecular consequence: intron variant.
Genome position (GRCh38, 1-based): chr16:2,044,625, C>A on the plus strand (G>T on the coding strand, the complement: NTHL1 is on the minus strand). VCF-style: chr16-2044625-C-A. GRCh37 (hg19) VCF-style: chr16-2094626-C-A.
Other names: c.195+5G>T (NM_001318194.2); c.355-899G>T (NM_001318193.2).
Identifiers: ClinVar variation 1026092 (VCV001026092.6), dbSNP rs1266874910, ClinGen allele CA2202016078.